The following is an entry in ClinVar:

ClinVar aggregate classification (germline): Uncertain significance (1 of 4 stars; one submission).

Conditions:
LAMA2-related muscular dystrophy (LAMA2-RD). Also called: Laminin alpha 2-related dystrophy. Identifiers: MedGen C5679788, MONDO:0100228.

Allele frequency attached by ClinVar (database versions not stated): ExAC 0.00001; gnomAD 0.00001; TOPMed 0.00001.
gnomAD v4.1: 9 of 1,613,188 alleles (0.00056%); highest among the groups gnomAD compares: African/African-American, 0.0013%; no homozygotes.

Submission:

Labcorp Genetics (formerly Invitae), Labcorp
Classification: Uncertain significance for LAMA2-related muscular dystrophy. Last evaluated: 2022-05-18. Review status: criteria provided, single submitter. Criteria: Invitae Variant Classification Sherloc (09022015). Collection method: clinical testing. Allele origin: germline.
Comment: This sequence change replaces histidine, which is basic and polar, with arginine, which is basic and polar, at codon 326 of the LAMA2 protein (p.His326Arg). This variant is present in population databases (rs750695625, gnomAD 0.007%). This variant has not been reported in the literature in individuals affected with LAMA2-related conditions. Advanced modeling of protein sequence and biophysical properties (such as structural, functional, and spatial information, amino acid conservation, physicochemical variation, residue mobility, and thermodynamic stability) performed at Invitae indicates that this missense variant is not expected to disrupt LAMA2 protein function. In summary, the available evidence is currently insufficient to determine the role of this variant in disease. Therefore, it has been classified as a Variant of Uncertain Significance.

NM_000426.4(LAMA2):c.977A>G (p.His326Arg)

Gene: LAMA2 (laminin subunit alpha 2; plus strand). Cytogenetic location: 6q22.33.
Variant type: single nucleotide variant.
Coding change: c.977A>G on transcript NM_000426.4 (MANE Select); coding-DNA position 977, A replaced by G.
Protein change: p.His326Arg; replaces histidine 326 with arginine.
Molecular consequence: missense variant.
Genome position (GRCh38, 1-based): chr6:129,149,046, A>G. VCF-style: chr6-129149046-A-G. GRCh37 (hg19) VCF-style: chr6-129470191-A-G.
Other names: c.977A>G, p.His326Arg (NM_001079823.2); short protein forms H326R.
Identifiers: ClinVar variation 2194125 (VCV002194125.1), dbSNP rs750695625, ClinGen allele CA3992487.